The following is an entry in ClinVar:

ClinVar aggregate classification (germline): Likely pathogenic (1 of 4 stars; one submission).

Submission:

CeGaT Center for Human Genetics Tuebingen
Classification: Likely pathogenic. Last evaluated: 2026-01-01. Review status: criteria provided, single submitter. Criteria: CeGaT Center For Human Genetics Tuebingen Variant Classification Criteria Version 2. Collection method: clinical testing. Allele origin: germline. Affected: yes. Observed: 1 variant allele.
Comment: CASK: PVS1:Strong, PM2

NM_001367721.1(CASK):c.2160del (p.Phe720fs)

Gene: CASK (calcium/calmodulin dependent serine protein kinase; minus strand). Cytogenetic location: Xp11.4.
Variant type: Deletion.
Coding change: c.2160del on transcript NM_001367721.1 (MANE Select); coding-DNA position 2160, one base deleted (T; older notation c.2160delT).
Protein change: p.Phe720fs; shifts the reading frame from phenylalanine 720.
Molecular consequence: frameshift variant. On other transcripts: intron variant (2).
Genome position (GRCh38, 1-based): chrX:41,534,969, A deleted on the plus strand (T on the coding strand, the reverse complement: CASK is on the minus strand); the first of 3 consecutive A bases (chrX:41,534,969-41,534,971); deleting any one gives the same sequence. VCF-style (leftmost placement, unchanged base first): chrX-41534968-CA-C. GRCh37 (hg19) VCF-style: chrX-41394221-CA-C.
Other names: c.2073del, p.Phe691fs (NM_001126055.3); c.2142del, p.Phe714fs (NM_001410745.1); c.2087-11del (NM_001126054.3); c.2156-11del (NM_003688.4); short protein forms F691fs, F714fs, F720fs.
Identifiers: ClinVar variation 4822516 (VCV004822516.4).